The following is an entry in ClinVar:

ClinVar aggregate classification (germline): Conflicting classifications of pathogenicity. Review status: criteria provided, conflicting classifications (1 of 4 stars). 5 submissions from 5 submitters: Uncertain significance (3); Likely benign (2). Last evaluated 2026-06-16.

Conditions:
MYH9-related disorder. Identifiers: MedGen C1854520.
Inborn genetic diseases. Identifiers: MedGen C0950123, MeSH D030342.

Allele frequency attached by ClinVar (database versions not stated): 1000 Genomes Project 30x 0.00016; 1000 Genomes Project 0.00020; ESP Exome Variant Server 0.00023; gnomAD 0.00027 and 0.00032; TOPMed 0.00030.
gnomAD v4.1: 108 of 1,613,930 alleles (0.0067%); highest among the groups gnomAD compares: African/African-American, 0.093%; no homozygotes.

Submissions (5):

GeneDx
Classification: Uncertain significance. Last evaluated: 2026-06-16. Review status: criteria provided, single submitter. Criteria: GeneDx Variant Classification Process June 2021. Collection method: clinical testing. Allele origin: germline.
Comment: In silico analysis suggests that this missense variant does not alter protein structure/function; Has not been previously published as pathogenic or benign to our knowledge

Labcorp Genetics (formerly Invitae), Labcorp
Classification: Likely benign. Last evaluated: 2025-06-22. Review status: criteria provided, single submitter. Criteria: Invitae Variant Classification Sherloc (09022015). Collection method: clinical testing. Allele origin: germline.

PreventionGenetics, part of Exact Sciences
Classification: Likely benign for MYH9-related condition. Last evaluated: 2025-02-05. Review status: criteria provided, single submitter. Criteria: ACMG Guidelines, 2015. Collection method: clinical testing. Allele origin: germline.
Comment: This variant is classified as likely benign based on ACMG/AMP sequence variant interpretation guidelines (Richards et al. 2015 PMID: 25741868, with internal and published modifications).

Ambry Genetics
Classification: Uncertain significance for Inborn genetic diseases. Last evaluated: 2024-02-14. Review status: criteria provided, single submitter. Criteria: Ambry Variant Classification Scheme 2023. Collection method: clinical testing. Allele origin: germline.

Laboratory for Molecular Medicine, Mass General Brigham Personalized Medicine
Classification: Uncertain significance. Last evaluated: 2016-04-07. Review status: criteria provided, single submitter. Criteria: LMM Criteria. Collection method: clinical testing. Allele origin: germline. Observed: 2 variant alleles.
Comment: proposed classification - variant undergoing re-assessment, contact laboratory

NM_002473.6(MYH9):c.4831G>A (p.Ala1611Thr)

Gene: MYH9 (myosin heavy chain 9; minus strand). Cytogenetic location: 22q12.3.
Variant type: single nucleotide variant.
Coding change: c.4831G>A on transcript NM_002473.6 (MANE Select); coding-DNA position 4831, G replaced by A.
Protein change: p.Ala1611Thr; replaces alanine 1611 with threonine.
Molecular consequence: missense variant.
Genome position (GRCh38, 1-based): chr22:36,288,353, C>T on the plus strand (G>A on the coding strand, the complement: MYH9 is on the minus strand). VCF-style: chr22-36288353-C-T. GRCh37 (hg19) VCF-style: chr22-36684399-C-T.
Other names: c.4831G>A (NM_002473.5); short protein forms A1611T.
Identifiers: ClinVar variation 178432 (VCV000178432.16), dbSNP rs150029980, ClinGen allele CA182321.